The following is an entry in ClinVar:

ClinVar aggregate classification (germline): Pathogenic (1 of 4 stars; one submission).

Conditions:
Joubert syndrome. Also called: CEREBELLOPARENCHYMAL DISORDER IV; JOUBERT-BOLTSHAUSER SYNDROME; Familial aplasia of the vermis. Identifiers: Orphanet 475, MedGen C5979921, MONDO:0018772.
Meckel-Gruber syndrome. Also called: DYSENCEPHALIA SPLANCHNOCYSTICA; GRUBER SYNDROME; Dysencephalia splachnocystica. Identifiers: Orphanet 564, MedGen C0265215, MONDO:0018921.

Submission:

Labcorp Genetics (formerly Invitae), Labcorp
Classification: Pathogenic for Joubert syndrome; Meckel-Gruber syndrome. Last evaluated: 2023-08-23. Review status: criteria provided, single submitter. Criteria: Invitae Variant Classification Sherloc (09022015). Collection method: clinical testing. Allele origin: unknown.
Comment: For these reasons, this variant has been classified as Pathogenic. This variant has not been reported in the literature in individuals affected with CC2D2A-related conditions. This variant is a gross deletion of the genomic region encompassing exon(s) 20-21 of the CC2D2A gene. This deletion is out-of-frame, and is expected to create a premature termination codon and result in an absent or disrupted protein product. Loss-of-function variants in CC2D2A are known to be pathogenic (PMID: 19777577).

Literature cited by the submitters: PubMed 19777577.

NC_000004.11:g.(?_15554761)_(15556853_?)del

Gene: CC2D2A (coiled-coil and C2 domain containing 2A; plus strand). Cytogenetic location: 4p15.32.
Variant type: Deletion.
Identifiers: ClinVar variation 3246611 (VCV003246611.1).